The following is an entry in ClinVar:

NM_000543.5(SMPD1):c.126G>A (p.Ala42=)

Gene: SMPD1 (sphingomyelin phosphodiesterase 1; plus strand). Cytogenetic location: 11p15.4.
Variant type: single nucleotide variant.
Coding change: c.126G>A on transcript NM_000543.5 (MANE Select); coding-DNA position 126, G replaced by A.
Protein change: p.Ala42=; no amino-acid change (alanine 42 retained).
Molecular consequence: synonymous variant. On other transcripts: 5 prime UTR variant (1), non-coding transcript variant (2).
Genome position (GRCh38, 1-based): chr11:6,390,724, G>A. VCF-style: chr11-6390724-G-A. GRCh37 (hg19) VCF-style: chr11-6411954-G-A.
Other names: c.126G>A (NM_000543.4); c.126G>A, p.Ala42= (NM_001007593.3, NM_001318087.2, NM_001365135.2); c.-836G>A (NM_001318088.2).
Identifiers: ClinVar variation 1087861 (VCV001087861.11), dbSNP rs571806745, ClinGen allele CA5852495.
Genomic context (GRCh38, chr11:6,390,724, plus strand): 5'-CGGGACCGCCGGAGCCCCCGGACTCCTTTGGATGGGCCTGGTGCTGGCGCTGGCGCTGGC[G>A]CTGGCGCTGGCGCTGGCTCTGTCTGACTCTCGGGTTCTCTGGGCTCCGGCAGAGGCTCAC-3'
Protein context (NP_000534.3, residues 32-52): WMGLVLALAL[Ala42=]LALALALSDS

ClinVar aggregate classification (germline): Likely benign. Review status: criteria provided, multiple submitters, no conflicts (2 of 4 stars). 3 submissions from 3 submitters: Likely benign (2). 1 of the submissions does not count toward it. Last evaluated 2026-04-20.

Conditions:
Niemann-Pick disease, type A. Also called: Infantile Neurovisceral ASMD (Niemann-Pick Disease Type A; NPD-A); SPHINGOMYELIN LIPIDOSIS; SPHINGOMYELINASE DEFICIENCY. Identifiers: Orphanet 77292, MedGen C0268242, MONDO:0009756, OMIM 257200. Disease mechanism: loss of function.
Niemann-Pick disease, type B. Also called: Chronic Visceral ASMD (Niemann-Pick Disease Type B; NPD-B). Identifiers: Orphanet 77293, MedGen C0268243, MONDO:0011871, OMIM 607616. Disease mechanism: loss of function.
SMPD1-related disorder. Also called: SMPD1-related condition.

Allele frequency attached by ClinVar (database versions not stated): ExAC 0.00001; gnomAD 0.00001; TOPMed 0.00001.

Submissions (3):

PreventionGenetics, part of Exact Sciences
Classification: Likely benign for SMPD1-related condition. Last evaluated: 2026-04-20. Review status: criteria provided, single submitter. Criteria: ACMG Guidelines, 2015. Collection method: clinical testing. Allele origin: germline.
Comment: This variant is classified as likely benign based on ACMG/AMP sequence variant interpretation guidelines (Richards et al. 2015 PMID: 25741868, with internal and published modifications).

Labcorp Genetics (formerly Invitae), Labcorp
Classification: Likely benign for Niemann-Pick disease, type B; Niemann-Pick disease, type A. Last evaluated: 2023-10-04. Review status: criteria provided, single submitter. Criteria: Invitae Variant Classification Sherloc (09022015). Collection method: clinical testing. Allele origin: germline.

Natera, Inc.
Classification: Likely benign for Niemann-Pick Disease, Types A/B. Last evaluated: 2017-05-05. Review status: no assertion criteria provided. Collection method: clinical testing. Allele origin: germline. Not counted in ClinVar's aggregate classification.